The following is an entry in ClinVar:

NM_000090.4(COL3A1):c.1102A>G (p.Arg368Gly)

Gene: COL3A1 (collagen type III alpha 1 chain; plus strand). Cytogenetic location: 2q32.2.
Variant type: single nucleotide variant.
Coding change: c.1102A>G on transcript NM_000090.4 (MANE Select); coding-DNA position 1102, A replaced by G.
Protein change: p.Arg368Gly; replaces arginine 368 with glycine.
Molecular consequence: missense variant.
Genome position (GRCh38, 1-based): chr2:188,993,412, A>G. VCF-style: chr2-188993412-A-G. GRCh37 (hg19) VCF-style: chr2-189858138-A-G.
Other names: short protein forms R368G.
Identifiers: ClinVar variation 1304471 (VCV001304471.9), dbSNP rs2153502282, ClinGen allele CA349850932.
Genomic context (GRCh38, chr2:188,993,412, plus strand): 5'-TACCATTAGGGTGAAGTTGGACCTGCAGGGTCTCCTGGTTCAAATGGTGCCCCTGGACAA[A>G]GAGGAGAACCTGGACCTCAGGGACACGCTGGTGCTCAAGGTCCTCCTGTAAGTATCATAG-3'
Protein context (NP_000081.2, residues 358-378): SPGSNGAPGQ[Arg368Gly]GEPGPQGHAG

ClinVar aggregate classification (germline): Uncertain significance. Review status: criteria provided, multiple submitters, no conflicts (2 of 4 stars). 5 submissions from 5 submitters: Uncertain significance (5). Last evaluated 2024-03-06.

Conditions:
Polymicrogyria with or without vascular-type Ehlers-Danlos syndrome. Identifiers: Orphanet 636941, MedGen C5193040, MONDO:0032688, OMIM 618343.
Familial thoracic aortic aneurysm and aortic dissection (TAAD). Also called: Thoracic aortic aneurysms and dissections. Identifiers: Orphanet 91387, MedGen C4707243, MONDO:0019625.
Ehlers-Danlos syndrome, type 4 (EDSVASC). Also called: Ehlers-Danlos syndrome vascular type; Ehlers Danlos syndrome, ecchymotic type; Ehlers Danlos syndrome, arterial type; Ehlers Danlos syndrome, Sack-Barabas type; Ehlers-Danlos Syndrome Type IV. Identifiers: Orphanet 286, MedGen C0268338, MONDO:0017314, OMIM 130050.

gnomAD v4.1: 4 of 1,566,894 alleles (0.00026%); highest among the groups gnomAD compares: Middle Eastern, 0.017%; no homozygotes.

Submissions (5):

Color Diagnostics, LLC DBA Color Health
Classification: Uncertain significance for Familial thoracic aortic aneurysm and aortic dissection. Last evaluated: 2024-03-06. Review status: criteria provided, single submitter. Criteria: ACMG Guidelines, 2015. Collection method: clinical testing. Allele origin: germline.
Comment: This missense variant replaces arginine with glycine at codon 368 of the COL3A1 protein. Computational prediction suggests that this variant may have deleterious impact on protein structure and function (internally defined REVEL score threshold >= 0.7, PMID: 27666373). To our knowledge, functional studies have not been reported for this variant. This variant has not been reported in individuals affected with COL3A1-related disorders in the literature. This variant has not been identified in the general population by the Genome Aggregation Database (gnomAD). The available evidence is insufficient to determine the role of this variant in disease conclusively. Therefore, this variant is classified as a Variant of Uncertain Significance.

All of Us Research Program, National Institutes of Health
Classification: Uncertain significance for Ehlers-Danlos syndrome, type 4. Last evaluated: 2024-02-22. Review status: criteria provided, single submitter. Criteria: ACMG Guidelines, 2015. Collection method: clinical testing. Allele origin: germline. Inheritance: Autosomal dominant inheritance. Observed: 1 variant allele, 1 heterozygote.
Comment: This missense variant replaces arginine with glycine at codon 368 of the COL3A1 protein. Computational prediction suggests that this variant may have deleterious impact on protein structure and function (internally defined REVEL score threshold >= 0.7, PMID: 27666373). To our knowledge, functional studies have not been reported for this variant. This variant has not been reported in individuals affected with cardiovascular disorders in the literature. This variant has not been identified in the general population by the Genome Aggregation Database (gnomAD). The available evidence is insufficient to determine the role of this variant in disease conclusively. Therefore, this variant is classified as a Variant of Uncertain Significance.

This study involves interpretation of variants in research participants for the purpose of population health screening. Participant phenotype was not available at the time of variant classification. Additional details can be found in publication PMID: 35346344, PMCID: PMC8962531

Department of Pathology and Laboratory Medicine, Sinai Health System
Classification: Uncertain significance for Polymicrogyria with or without vascular-type Ehlers-Danlos syndrome. Last evaluated: 2021-12-14. Review status: criteria provided, single submitter. Criteria: ACMG Guidelines, 2015. Collection method: research. Allele origin: germline.

Ambry Genetics
Classification: Uncertain significance for Familial thoracic aortic aneurysm and aortic dissection. Last evaluated: 2021-04-27. Review status: criteria provided, single submitter. Criteria: Ambry Variant Classification Scheme 2023. Collection method: clinical testing. Allele origin: germline.
Comment: The p.R368G variant (also known as c.1102A>G), located in coding exon 16 of the COL3A1 gene, results from an A to G substitution at nucleotide position 1102. The arginine at codon 368 is replaced by glycine, an amino acid with dissimilar properties. This amino acid position is highly conserved in available vertebrate species. In addition, this alteration is predicted to be deleterious by in silico analysis. Since supporting evidence is limited at this time, the clinical significance of this alteration remains unclear.

GeneDx
Classification: Uncertain significance. Last evaluated: 2019-01-07. Review status: criteria provided, single submitter. Criteria: GeneDx Variant Classification Process June 2021. Collection method: clinical testing. Allele origin: germline. Affected: yes.
Comment: Has not been previously published as pathogenic or benign to our knowledge; Not observed in large population cohorts (Lek et al., 2016); In silico analysis, which includes protein predictors and evolutionary conservation, supports a deleterious effect; Occurs in the triple helical domain at the Y position in the canonical Gly-X-Y repeat. Although this variant may have an effect on normal protein folding and function, missense substitution at the Y position is not a common mechanism of disease (Stenson et al., 2014)